The following is an entry in ClinVar:

NM_194454.3(KRIT1):c.46C>T (p.Arg16Cys)

Gene: KRIT1 (KRIT1 ankyrin repeat containing; minus strand). Cytogenetic location: 7q21.2.
Variant type: single nucleotide variant.
Coding change: c.46C>T on transcript NM_194454.3 (MANE Select); coding-DNA position 46, C replaced by T.
Protein change: p.Arg16Cys; replaces arginine 16 with cysteine.
Molecular consequence: missense variant. On other transcripts: 5 prime UTR variant (1).
Genome position (GRCh38, 1-based): chr7:92,242,090, G>A on the plus strand (C>T on the coding strand, the complement: KRIT1 is on the minus strand). VCF-style: chr7-92242090-G-A. GRCh37 (hg19) VCF-style: chr7-91871404-G-A.
Other names: c.46C>T, p.Arg16Cys (NM_001013406.2, NM_001350669.1, NM_001350670.1 and 29 more transcripts); c.-538C>T (NM_001350671.1); short protein forms R16C.
Identifiers: ClinVar variation 909259 (VCV000909259.6), dbSNP rs370360812, ClinGen allele CA4339491.

ClinVar aggregate classification (germline): Conflicting classifications of pathogenicity. Review status: criteria provided, conflicting classifications (1 of 4 stars). 3 submissions from 2 submitters: Uncertain significance (2); Likely benign (1). Last evaluated 2022-06-30.

Conditions:
Angiokeratoma corporis diffusum with arteriovenous fistulas. Identifiers: MedGen C1838141, MONDO:0010885, OMIM 600419.
Inborn genetic diseases. Identifiers: MedGen C0950123, MeSH D030342.
Cerebral cavernous malformation (CCM). Also called: Cerebral cavernous hemangioma (type); Cavernous Hemangioma of Brain; Cerebral cavernous malformations; CAVERNOUS ANGIOMA, FAMILIAL; CAVERNOUS ANGIOMATOUS MALFORMATIONS; CEREBRAL CAPILLARY MALFORMATIONS. Identifiers: Orphanet 221061, MedGen C2919945, MONDO:0000820, OMIM 116860, HP:0033522.

Allele frequency attached by ClinVar (database versions not stated): ExAC 0.00002; gnomAD exomes 0.00002; TOPMed 0.00002; ESP Exome Variant Server 0.00008.
gnomAD v4.1: 41 of 1,603,390 alleles (0.0026%); highest among the groups gnomAD compares: Non-Finnish European, 0.0031%; no homozygotes.

Submissions (3):

Ambry Genetics
Classification: Uncertain significance for Inborn genetic diseases. Last evaluated: 2022-06-30. Review status: criteria provided, single submitter. Criteria: Ambry Variant Classification Scheme 2023. Collection method: clinical testing. Allele origin: germline.

Illumina Laboratory Services, Illumina
Classification: Likely benign for Angiokeratoma corporis diffusum with arteriovenous fistulas. Last evaluated: 2017-10-15. Review status: criteria provided, single submitter. Criteria: ICSL Variant Classification Criteria 13 December 2019. Collection method: clinical testing. Allele origin: germline.
Comment: This variant was observed as part of a predisposition screen in an ostensibly healthy population. A literature search was performed for the gene, cDNA change, and amino acid change (where applicable). No publications were found based on this search. Allele frequency data from public databases allowed determination this variant is unlikely to cause disease. Therefore, this variant is classified as likely benign.

Illumina Laboratory Services, Illumina
Classification: Uncertain significance for Cerebral cavernous malformation. Last evaluated: 2017-10-15. Review status: criteria provided, single submitter. Criteria: ICSL Variant Classification Criteria 13 December 2019. Collection method: clinical testing. Allele origin: germline.
Comment: This variant was observed as part of a predisposition screen in an ostensibly healthy population. A literature search was performed for the gene, cDNA change, and amino acid change (where applicable). Publications were found based on this search. However, the evidence from the literature, in combination with allele frequency data from public databases where available, was not sufficient to rule this variant in or out of causing disease. Therefore, this variant is classified as a variant of unknown significance.

Literature cited by the submitters: PubMed 25525273 (cited by Ambry Genetics and Illumina Laboratory Services, Illumina).